The following is an entry in ClinVar:

NM_000143.4(FH):c.672G>C (p.Glu224Asp)

Gene: FH (fumarate hydratase; minus strand). Cytogenetic location: 1q43.
Variant type: single nucleotide variant.
Coding change: c.672G>C on transcript NM_000143.4 (MANE Select); coding-DNA position 672, G replaced by C.
Protein change: p.Glu224Asp; replaces glutamic acid 224 with aspartic acid.
Molecular consequence: missense variant.
Genome position (GRCh38, 1-based): chr1:241,508,669, C>G on the plus strand (G>C on the coding strand, the complement: FH is on the minus strand). VCF-style: chr1-241508669-C-G. GRCh37 (hg19) VCF-style: chr1-241671969-C-G.
Other names: short protein forms E224D.
Identifiers: ClinVar variation 2751063 (VCV002751063.3), dbSNP rs1659992801, ClinGen allele CA345439272.

ClinVar aggregate classification (germline): Uncertain significance (1 of 4 stars; one submission).

Allele frequency attached by ClinVar (database versions not stated): TOPMed below 0.00001.

Submission:

Labcorp Genetics (formerly Invitae), Labcorp
Classification: Uncertain significance. Last evaluated: 2023-09-10. Review status: criteria provided, single submitter. Criteria: Invitae Variant Classification Sherloc (09022015). Collection method: clinical testing. Allele origin: germline.
Comment: In summary, the available evidence is currently insufficient to determine the role of this variant in disease. Therefore, it has been classified as a Variant of Uncertain Significance. Advanced modeling of protein sequence and biophysical properties (such as structural, functional, and spatial information, amino acid conservation, physicochemical variation, residue mobility, and thermodynamic stability) performed at Invitae indicates that this missense variant is not expected to disrupt FH protein function. This variant has not been reported in the literature in individuals affected with FH-related conditions. This variant is not present in population databases (gnomAD no frequency). This sequence change replaces glutamic acid, which is acidic and polar, with aspartic acid, which is acidic and polar, at codon 224 of the FH protein (p.Glu224Asp).